The following is an entry in ClinVar:

ClinVar aggregate classification (germline): Benign/Likely benign. Review status: criteria provided, multiple submitters, no conflicts (2 of 4 stars). 5 submissions from 5 submitters: Benign (1); Likely benign (4). Last evaluated 2026-06-23.

Conditions:
Retinoblastoma (RB1). Also called: RETINOBLASTOMA, SOMATIC. Identifiers: Orphanet 790, MedGen C0035335, MeSH D012175, MONDO:0008380, OMIM 180200, HP:0009919. Disease mechanism: loss of function. Inheritance: Both sporadic and heritable forms are tested..
Hereditary cancer-predisposing syndrome. Also called: Tumor predisposition; Hereditary Cancer Syndrome; Hereditary neoplastic syndrome; Neoplastic Syndromes, Hereditary. Identifiers: Orphanet 140162, MedGen C0027672, MeSH D009386, MONDO:0015356.

gnomAD v4.1: 4 of 1,509,364 alleles (0.00027%); highest among the groups gnomAD compares: South Asian, 0.0012%; no homozygotes.

Submissions (5):

Myriad Genetics, Inc.
Classification: Benign for Retinoblastoma. Last evaluated: 2026-06-23. Review status: criteria provided, single submitter. Criteria: Myriad Autosomal Dominant, Autosomal Recessive and X-Linked Classification Criteria (2023). Collection method: clinical testing. Allele origin: unknown.
Comment: This variant is considered benign. This variant is a silent/synonymous amino acid change and it is not expected to impact splicing.

Labcorp Genetics (formerly Invitae), Labcorp
Classification: Likely benign for Retinoblastoma. Last evaluated: 2025-12-03. Review status: criteria provided, single submitter. Criteria: Invitae Variant Classification Sherloc (09022015). Collection method: clinical testing. Allele origin: germline.

All of Us Research Program, National Institutes of Health
Classification: Likely benign for Retinoblastoma. Last evaluated: 2024-09-11. Review status: criteria provided, single submitter. Criteria: ACMG Guidelines, 2015. Collection method: clinical testing. Allele origin: germline. Inheritance: Autosomal dominant inheritance. Observed: 1 variant allele, 1 heterozygote.
Comment: This study involves interpretation of variants in research participants for the purpose of population health screening. Participant phenotype was not available at the time of variant classification. Additional details can be found in publication PMID: 35346344, PMCID: PMC8962531

Blueprint Genetics
Classification: Likely benign. Last evaluated: 2024-01-23. Review status: criteria provided, single submitter. Criteria: ACMG Guidelines, 2015. Collection method: clinical testing. Allele origin: germline.

Ambry Genetics
Classification: Likely benign for Hereditary cancer-predisposing syndrome. Last evaluated: 2019-08-24. Review status: criteria provided, single submitter. Criteria: Ambry Variant Classification Scheme 2023. Collection method: clinical testing. Allele origin: germline.

NM_000321.3(RB1):c.30C>T (p.Ala10=)

Gene: RB1 (RB transcriptional corepressor 1; plus strand). Cytogenetic location: 13q14.2.
Variant type: single nucleotide variant.
Coding change: c.30C>T on transcript NM_000321.3 (MANE Select); coding-DNA position 30, C replaced by T.
Protein change: p.Ala10=; no amino-acid change (alanine 10 retained).
Molecular consequence: synonymous variant.
Genome position (GRCh38, 1-based): chr13:48,303,942, C>T. VCF-style: chr13-48303942-C-T. GRCh37 (hg19) VCF-style: chr13-48878078-C-T.
Identifiers: ClinVar variation 416488 (VCV000416488.14), dbSNP rs530961288, ClinGen allele CA16614427.